The following is an entry in ClinVar:

ClinVar aggregate classification (germline): Uncertain significance (1 of 4 stars; one submission).

Submission:

Labcorp Genetics (formerly Invitae), Labcorp
Classification: Uncertain significance. Last evaluated: 2024-06-06. Review status: criteria provided, single submitter. Criteria: Invitae Variant Classification Sherloc (09022015). Collection method: clinical testing. Allele origin: germline.
Comment: This sequence change replaces cysteine, which is neutral and slightly polar, with arginine, which is basic and polar, at codon 488 of the AMH protein (p.Cys488Arg). This variant is not present in population databases (gnomAD no frequency). This variant has not been reported in the literature in individuals affected with AMH-related conditions. An algorithm developed to predict the effect of missense changes on protein structure and function (PolyPhen-2) suggests that this variant is likely to be disruptive. In summary, the available evidence is currently insufficient to determine the role of this variant in disease. Therefore, it has been classified as a Variant of Uncertain Significance.

NM_000479.5(AMH):c.1462T>C (p.Cys488Arg)

Gene: AMH (anti-Mullerian hormone; plus strand). Cytogenetic location: 19p13.3.
Variant type: single nucleotide variant.
Coding change: c.1462T>C on transcript NM_000479.5 (MANE Select); coding-DNA position 1462, T replaced by C.
Protein change: p.Cys488Arg; replaces cysteine 488 with arginine.
Molecular consequence: missense variant.
Genome position (GRCh38, 1-based): chr19:2,251,736, T>C. VCF-style: chr19-2251736-T-C. GRCh37 (hg19) VCF-style: chr19-2251735-T-C.
Other names: short protein forms C488R.
Identifiers: ClinVar variation 3655795 (VCV003655795.2).
Genomic context (GRCh38, chr19:2,251,736, plus strand): 5'-AGCGTAGACCTCCGCGCCGAGCGCTCCGTACTCATCCCCGAGACCTACCAGGCCAACAAT[T>C]GCCAGGGCGTGTGCGGCTGGCCTCAGTCCGACCGCAACCCGCGCTACGGCAACCACGTGG-3'
Protein context (NP_000470.3, residues 478-498): LIPETYQANN[Cys488Arg]QGVCGWPQSD